The following is an entry in ClinVar:

ClinVar aggregate classification (germline): Uncertain significance (1 of 4 stars; one submission).

Submission:

Labcorp Genetics (formerly Invitae), Labcorp
Classification: Uncertain significance. Last evaluated: 2024-10-29. Review status: criteria provided, single submitter. Criteria: Invitae Variant Classification Sherloc (09022015). Collection method: clinical testing. Allele origin: germline.
Comment: This sequence change replaces glycine, which is neutral and non-polar, with valine, which is neutral and non-polar, at codon 292 of the KCNV2 protein (p.Gly292Val). This variant is not present in population databases (gnomAD no frequency). This variant has not been reported in the literature in individuals affected with KCNV2-related conditions. ClinVar contains an entry for this variant (Variation ID: 2065519). Invitae Evidence Modeling of protein sequence and biophysical properties (such as structural, functional, and spatial information, amino acid conservation, physicochemical variation, residue mobility, and thermodynamic stability) indicates that this missense variant is not expected to disrupt KCNV2 protein function with a negative predictive value of 95%. In summary, the available evidence is currently insufficient to determine the role of this variant in disease. Therefore, it has been classified as a Variant of Uncertain Significance.

NM_133497.4(KCNV2):c.875G>T (p.Gly292Val)

Gene: KCNV2 (potassium voltage-gated channel modifier subfamily V member 2; plus strand). Cytogenetic location: 9p24.2.
Variant type: single nucleotide variant.
Coding change: c.875G>T on transcript NM_133497.4 (MANE Select); coding-DNA position 875, G replaced by T.
Protein change: p.Gly292Val; replaces glycine 292 with valine.
Molecular consequence: missense variant.
Genome position (GRCh38, 1-based): chr9:2,718,614, G>T. VCF-style: chr9-2718614-G-T. GRCh37 (hg19) VCF-style: chr9-2718614-G-T.
Other names: short protein forms G292V.
Identifiers: ClinVar variation 2065519 (VCV002065519.4), dbSNP rs752059245, ClinGen allele CA372799782.